The following is an entry in ClinVar:

NM_001291303.3(FAT4):c.14032C>T (p.Pro4678Ser)

Gene: FAT4 (FAT atypical cadherin 4; plus strand). Cytogenetic location: 4q28.1.
Variant type: single nucleotide variant.
Coding change: c.14032C>T on transcript NM_001291303.3 (MANE Select); coding-DNA position 14032, C replaced by T.
Protein change: p.Pro4678Ser; replaces proline 4678 with serine.
Molecular consequence: missense variant.
Genome position (GRCh38, 1-based): chr4:125,490,848, C>T. VCF-style: chr4-125490848-C-T. GRCh37 (hg19) VCF-style: chr4-126412003-C-T.
Other names: c.14029C>T, p.Pro4677Ser (NM_001291285.3); c.14026C>T, p.Pro4676Ser (NM_024582.6); short protein forms P4676S, P4677S, P4678S.
Identifiers: ClinVar variation 1719988 (VCV001719988.5), dbSNP rs2530087274, ClinGen allele CA358140447.

ClinVar aggregate classification (germline): Uncertain significance (1 of 4 stars; one submission).

Submission:

Labcorp Genetics (formerly Invitae), Labcorp
Classification: Uncertain significance. Last evaluated: 2025-04-14. Review status: criteria provided, single submitter. Criteria: Invitae Variant Classification Sherloc (09022015). Collection method: clinical testing. Allele origin: germline.
Comment: This sequence change replaces proline, which is neutral and non-polar, with serine, which is neutral and polar, at codon 4676 of the FAT4 protein (p.Pro4676Ser). This variant is not present in population databases (gnomAD no frequency). This variant has not been reported in the literature in individuals affected with FAT4-related conditions. ClinVar contains an entry for this variant (Variation ID: 1719988). Invitae Evidence Modeling of protein sequence and biophysical properties (such as structural, functional, and spatial information, amino acid conservation, physicochemical variation, residue mobility, and thermodynamic stability) indicates that this missense variant is not expected to disrupt FAT4 protein function with a negative predictive value of 95%. In summary, the available evidence is currently insufficient to determine the role of this variant in disease. Therefore, it has been classified as a Variant of Uncertain Significance.